The following is an entry in ClinVar:

ClinVar aggregate classification (germline): Conflicting classifications of pathogenicity. Review status: criteria provided, conflicting classifications (1 of 4 stars). 9 submissions from 9 submitters: Uncertain significance (2); Likely benign (7). Last evaluated 2025-12-23.

Conditions:
IGHMBP2-related disorder. Also called: IGHMBP2-related condition; IGHMBP2-related disorders.
Inborn genetic diseases. Identifiers: MedGen C0950123, MeSH D030342.
Charcot-Marie-Tooth disease. Also called: Charcot-Marie-Tooth Neuropathy; Charcot-Marie-Tooth Hereditary Neuropathy. Identifiers: Orphanet 166, MedGen C0007959, MONDO:0015626.
Charcot-Marie-Tooth disease axonal type 2S. Also called: CHARCOT-MARIE-TOOTH DISEASE, AXONAL, AUTOSOMAL RECESSIVE, TYPE 2S; CHARCOT-MARIE-TOOTH NEUROPATHY, TYPE 2S. Identifiers: Orphanet 443073, MedGen C4015349, MONDO:0014511, OMIM 616155.
Autosomal recessive distal spinal muscular atrophy 1. Also called: SEVERE INFANTILE AXONAL NEUROPATHY WITH RESPIRATORY FAILURE; SPINAL MUSCULAR ATROPHY, DIAPHRAGMATIC; HMN VI; Spinal muscular atrophy with respiratory distress 1; NEURONOPATHY, SEVERE INFANTILE AXONAL, WITH RESPIRATORY FAILURE; NEURONOPATHY, DISTAL HEREDITARY MOTOR, HARDING TYPE VI. Identifiers: Orphanet 98920, MedGen C1858517, MONDO:0011436, OMIM 604320.

Allele frequency attached by ClinVar (database versions not stated): gnomAD exomes 0.00019 and 0.00038; ExAC 0.00049; 1000 Genomes Project 0.00100; 1000 Genomes Project 30x 0.00109; gnomAD 0.00124 and 0.00136; TOPMed 0.00153; ESP Exome Variant Server 0.00177.
gnomAD v4.1: 476 of 1,612,876 alleles (0.03%); highest among the groups gnomAD compares: African/African-American, 0.49%; 1 homozygote.

Submissions (9):

Labcorp Genetics (formerly Invitae), Labcorp
Classification: Likely benign for Autosomal recessive distal spinal muscular atrophy 1; Charcot-Marie-Tooth disease axonal type 2S. Last evaluated: 2025-12-23. Review status: criteria provided, single submitter. Criteria: Invitae Variant Classification Sherloc (09022015). Collection method: clinical testing. Allele origin: germline.

PreventionGenetics, part of Exact Sciences
Classification: Likely benign for IGHMBP2-related condition. Last evaluated: 2025-04-30. Review status: criteria provided, single submitter. Criteria: ACMG Guidelines, 2015. Collection method: clinical testing. Allele origin: germline.
Comment: This variant is classified as likely benign based on ACMG/AMP sequence variant interpretation guidelines (Richards et al. 2015 PMID: 25741868, with internal and published modifications).

Women's Health and Genetics/Laboratory Corporation of America, LabCorp
Classification: Likely benign. Last evaluated: 2025-04-28. Review status: criteria provided, single submitter. Criteria: LabCorp Variant Classification Summary - May 2015. Collection method: clinical testing. Allele origin: germline.
Comment: Variant summary: IGHMBP2 c.1603A>G (p.Ile535Val) results in a conservative amino acid change in the encoded protein sequence. Three of five in-silico tools predict a benign effect of the variant on protein function. The variant allele was found at a frequency of 0.00038 in 247652 control chromosomes, predominantly at a frequency of 0.0048 within the African or African-American subpopulation in the gnomAD database, including 1 homozygote. The observed variant frequency within African or African-American control individuals in the gnomAD database is approximately 4.29 fold of the estimated maximal expected allele frequency for a pathogenic variant in IGHMBP2 causing Charcot-Marie-Tooth disease axonal type 2S phenotype (0.0011). c.1603A>G has been observed in an individual(s) affected with Charcot-Marie-Tooth disease (Volodarsky_2021). This report does not provide unequivocal conclusions about association of the variant with Charcot-Marie-Tooth disease axonal type 2S. To our knowledge, no experimental evidence demonstrating an impact on protein function has been reported. The following publication has been ascertained in the context of this evaluation (PMID: 32376792). ClinVar contains an entry for this variant (Variation ID: 432239). Based on the evidence outlined above, the variant was classified as likely benign.

ARUP Laboratories, Molecular Genetics and Genomics, ARUP Laboratories
Classification: Likely benign. Last evaluated: 2024-10-15. Review status: criteria provided, single submitter. Criteria: ARUP Molecular Germline Variant Investigation Process 2024. Collection method: clinical testing. Allele origin: germline.

Mayo Clinic Laboratories, Mayo Clinic
Classification: Uncertain significance. Last evaluated: 2021-07-29. Review status: criteria provided, single submitter. Criteria: ACMG Guidelines, 2015. Collection method: clinical testing. Allele origin: germline.

GeneDx
Classification: Likely benign. Last evaluated: 2020-06-30. Review status: criteria provided, single submitter. Criteria: GeneDx Variant Classification Process June 2021. Collection method: clinical testing. Allele origin: germline. Affected: yes.
Comment: This variant is associated with the following publications: (PMID: 32376792)

Ambry Genetics
Classification: Likely benign for Inborn genetic diseases. Last evaluated: 2019-10-17. Review status: criteria provided, single submitter. Criteria: Ambry Variant Classification Scheme 2023. Collection method: clinical testing. Allele origin: germline.

Eurofins Ntd Llc (ga)
Classification: Uncertain significance. Last evaluated: 2018-05-15. Review status: criteria provided, single submitter. Criteria: EGL ClinVar v180209 classification definitions. Collection method: clinical testing. Allele origin: germline. Observed: 1 variant allele, 1 heterozygote.

Molecular Genetics Laboratory, London Health Sciences Centre
Classification: Likely benign for Charcot-Marie-Tooth disease. Review status: criteria provided, single submitter. Criteria: ACMG Guidelines, 2015. Collection method: clinical testing. Allele origin: germline. Affected: yes.

Literature cited by the submitters: PubMed 32376792 (cited by Women's Health and Genetics/Laboratory Corporation of America, LabCorp).

NM_002180.3(IGHMBP2):c.1603A>G (p.Ile535Val)

Genes: IGHMBP2 (immunoglobulin mu DNA binding protein 2; plus strand), LOC126861245 (CDK7 strongly-dependent group 2 enhancer GRCh37_chr11:68701479-68702678; plus strand). Cytogenetic location: 11q13.3.
Variant type: single nucleotide variant.
Coding change: c.1603A>G on transcript NM_002180.3 (MANE Select); coding-DNA position 1603, A replaced by G.
Protein change: p.Ile535Val; replaces isoleucine 535 with valine.
Molecular consequence: missense variant.
Genome position (GRCh38, 1-based): chr11:68,934,529, A>G. VCF-style: chr11-68934529-A-G. GRCh37 (hg19) VCF-style: chr11-68701997-A-G.
Other names: p.Ile535Val; short protein forms I535V.
Identifiers: ClinVar variation 432239 (VCV000432239.63), dbSNP rs140221316, ClinGen allele CA6153713.